The following is an entry in ClinVar:

NM_000059.3:c.8953+1_8953+2insALU

Gene: BRCA2 (BRCA2 DNA repair associated; plus strand).
Variant type: Insertion.
Identifiers: ClinVar variation 3992797 (VCV003992797.1).

ClinVar aggregate classification (germline): Likely pathogenic (1 of 4 stars; one submission).

Conditions:
Hereditary cancer-predisposing syndrome. Also called: Tumor predisposition; Hereditary neoplastic syndrome; Neoplastic Syndromes, Hereditary; Hereditary Cancer Syndrome. Identifiers: Orphanet 140162, MedGen C0027672, MeSH D009386, MONDO:0015356.

Submission:

Ambry Genetics
Classification: Likely pathogenic for Hereditary cancer-predisposing syndrome. Last evaluated: 2025-04-25. Review status: criteria provided, single submitter. Criteria: Ambry Variant Classification Scheme 2023. Collection method: clinical testing. Allele origin: germline.
Comment: The c.8953+1_8953+2insAlu variant results from the insertion of an Alu element between nucleotides c.8953+1 and c.8953+2 in intron 21 of the BRCA2 gene. Mobile element insertions contribute to pathogenicity by either disrupting the coding sequence or inducing aberrant splicing (Belancio VP et al. Semin. Cancer Biol. 2010 Aug;20:200-10; Deininger P et al. Genome Biol. 2011 Dec;12:236; van der Klift HM Hum Mutat. 2012 Jul;33(7):1051-5). Alterations that disrupt the canonical splice site are expected to cause aberrant splicing, resulting in an abnormal protein or a transcript that is subject to nonsense-mediated mRNA decay. As such, this alteration is classified as likely pathogenic.